The following is an entry in ClinVar:

NM_004744.5(LRAT):c.239C>T (p.Ala80Val)

Gene: LRAT (lecithin retinol acyltransferase; plus strand). Cytogenetic location: 4q32.1.
Variant type: single nucleotide variant.
Coding change: c.239C>T on transcript NM_004744.5 (MANE Select); coding-DNA position 239, C replaced by T.
Protein change: p.Ala80Val; replaces alanine 80 with valine.
Molecular consequence: missense variant.
Genome position (GRCh38, 1-based): chr4:154,744,565, C>T. VCF-style: chr4-154744565-C-T. GRCh37 (hg19) VCF-style: chr4-155665717-C-T.
Other names: c.239C>T, p.Ala80Val (NM_001301645.2); short protein forms A80V.
Identifiers: ClinVar variation 1016718 (VCV001016718.6), dbSNP rs1251943526, ClinGen allele CA358630274.

ClinVar aggregate classification (germline): Uncertain significance (1 of 4 stars; one submission).

Allele frequency attached by ClinVar (database versions not stated): gnomAD exomes below 0.00001; gnomAD 0.00001; TOPMed 0.00001.
gnomAD v4.1: 8 of 1,614,016 alleles (0.0005%); highest among the groups gnomAD compares: Non-Finnish European, 0.00051%; no homozygotes.

Submission:

Labcorp Genetics (formerly Invitae), Labcorp
Classification: Uncertain significance. Last evaluated: 2020-02-02. Review status: criteria provided, single submitter. Criteria: Invitae Variant Classification Sherloc (09022015). Collection method: clinical testing. Allele origin: germline.
Comment: In summary, the available evidence is currently insufficient to determine the role of this variant in disease. Therefore, it has been classified as a Variant of Uncertain Significance. Algorithms developed to predict the effect of missense changes on protein structure and function (SIFT, PolyPhen-2, Align-GVGD) all suggest that this variant is likely to be tolerated, but these predictions have not been confirmed by published functional studies and their clinical significance is uncertain. This variant has not been reported in the literature in individuals with LRAT-related conditions. This variant is not present in population databases (ExAC no frequency). This sequence change replaces alanine with valine at codon 80 of the LRAT protein (p.Ala80Val). The alanine residue is highly conserved and there is a small physicochemical difference between alanine and valine.